The following is an entry in ClinVar:

ClinVar aggregate classification (germline): Uncertain significance (1 of 4 stars; one submission).

gnomAD v4.1: 42 of 1,610,996 alleles (0.0026%); highest among the groups gnomAD compares: Admixed American, 0.005%; no homozygotes.

Submission:

Labcorp Genetics (formerly Invitae), Labcorp
Classification: Uncertain significance. Last evaluated: 2024-12-02. Review status: criteria provided, single submitter. Criteria: Invitae Variant Classification Sherloc (09022015). Collection method: clinical testing. Allele origin: germline.
Comment: This sequence change replaces threonine, which is neutral and polar, with serine, which is neutral and polar, at codon 598 of the BRD4 protein (p.Thr598Ser). This variant is not present in population databases (gnomAD no frequency). This variant has not been reported in the literature in individuals affected with BRD4-related conditions. An algorithm developed to predict the effect of missense changes on protein structure and function (PolyPhen-2) suggests that this variant is likely to be tolerated. In summary, the available evidence is currently insufficient to determine the role of this variant in disease. Therefore, it has been classified as a Variant of Uncertain Significance.

NM_001379291.1(BRD4):c.1792A>T (p.Thr598Ser)

Gene: BRD4 (bromodomain containing 4; minus strand). Cytogenetic location: 19p13.12.
Variant type: single nucleotide variant.
Coding change: c.1792A>T on transcript NM_001379291.1 (MANE Select); coding-DNA position 1792, A replaced by T.
Protein change: p.Thr598Ser; replaces threonine 598 with serine.
Molecular consequence: missense variant.
Genome position (GRCh38, 1-based): chr19:15,255,552, T>A on the plus strand (A>T on the coding strand, the complement: BRD4 is on the minus strand). VCF-style: chr19-15255552-T-A. GRCh37 (hg19) VCF-style: chr19-15366363-T-A.
Other names: c.1792A>T, p.Thr598Ser (NM_001330384.2, NM_001379292.1, NM_014299.3 and 1 more transcripts); short protein forms T598S.
Identifiers: ClinVar variation 3671821 (VCV003671821.2).